The following is an entry in ClinVar:

NC_000001.10:g.(?_171604992)_(173962123_?)dup

Genes: ANKRD45 (ankyrin repeat domain 45; minus strand), C1orf105 (chromosome 1 open reading frame 105; plus strand), CENPL (centromere protein L; minus strand), DARS2 (aspartyl-tRNA synthetase 2, mitochondrial; plus strand), DNM3 (dynamin 3; plus strand) and 19 more. Cytogenetic location: 1q24.3-25.1.
Variant type: Duplication.
Identifiers: ClinVar variation 3248010 (VCV003248010.1).

ClinVar aggregate classification (germline): Uncertain significance (1 of 4 stars; one submission).

Submission:

Labcorp Genetics (formerly Invitae), Labcorp
Classification: Uncertain significance. Last evaluated: 2023-10-13. Review status: criteria provided, single submitter. Criteria: Invitae Variant Classification Sherloc (09022015). Collection method: clinical testing. Allele origin: unknown.
Comment: A copy number gain of the genomic region encompassing the full coding sequence of the DARS2 gene has been identified. The boundaries of this event are unknown as they extend beyond the assayed region for this gene and therefore may encompass additional genes. As the precise location of this event is unknown, it may be in tandem or it may be located elsewhere in the genome. This variant has not been reported in the literature in individuals affected with DARS2-related conditions. In summary, the available evidence is currently insufficient to determine the role of this variant in disease. Therefore, it has been classified as a Variant of Uncertain Significance.